The following is an entry in ClinVar:

NM_000017.4(ACADS):c.347T>C (p.Met116Thr)

Gene: ACADS (acyl-CoA dehydrogenase short chain; plus strand). Cytogenetic location: 12q24.31.
Variant type: single nucleotide variant.
Coding change: c.347T>C on transcript NM_000017.4 (MANE Select); coding-DNA position 347, T replaced by C.
Protein change: p.Met116Thr; replaces methionine 116 with threonine.
Molecular consequence: missense variant.
Genome position (GRCh38, 1-based): chr12:120,737,122, T>C. VCF-style: chr12-120737122-T-C. GRCh37 (hg19) VCF-style: chr12-121174925-T-C.
Other names: c.347T>C, p.Met116Thr (NM_001302554.2); short protein forms M116T.
Identifiers: ClinVar variation 2898792 (VCV002898792.3), dbSNP rs1419823755, ClinGen allele CA386614199.

ClinVar aggregate classification (germline): Uncertain significance (1 of 4 stars; one submission).

Conditions:
Deficiency of butyryl-CoA dehydrogenase (ACADSD). Also called: SCADH DEFICIENCY; Short-Chain Acyl-CoA Dehydrogenase Deficiency; SCAD Deficiency; SCAD DEFICIENCY, MILD; ACYL-CoA DEHYDROGENASE, SHORT-CHAIN, DEFICIENCY OF; ACADS DEFICIENCY. Identifiers: Orphanet 26792, MedGen C0342783, MONDO:0008722, OMIM 201470. Disease mechanism: May be benign.

Allele frequency attached by ClinVar (database versions not stated): gnomAD exomes below 0.00001; TOPMed below 0.00001.

Submission:

Labcorp Genetics (formerly Invitae), Labcorp
Classification: Uncertain significance for Deficiency of butyryl-CoA dehydrogenase. Last evaluated: 2022-11-16. Review status: criteria provided, single submitter. Criteria: Invitae Variant Classification Sherloc (09022015). Collection method: clinical testing. Allele origin: germline.
Comment: This variant has not been reported in the literature in individuals affected with ACADS-related conditions. This variant is not present in population databases (gnomAD no frequency). This sequence change replaces methionine, which is neutral and non-polar, with threonine, which is neutral and polar, at codon 116 of the ACADS protein (p.Met116Thr). In summary, the available evidence is currently insufficient to determine the role of this variant in disease. Therefore, it has been classified as a Variant of Uncertain Significance. Advanced modeling of protein sequence and biophysical properties (such as structural, functional, and spatial information, amino acid conservation, physicochemical variation, residue mobility, and thermodynamic stability) performed at Invitae indicates that this missense variant is expected to disrupt ACADS protein function.